The following is an entry in ClinVar:

ClinVar aggregate classification (germline): Uncertain significance. Review status: criteria provided, multiple submitters, no conflicts (2 of 4 stars). 2 submissions from 2 submitters: Uncertain significance (2). Last evaluated 2025-05-17.

Conditions:
Mitochondrial complex V (ATP synthase) deficiency, nuclear type 2. Also called: Nuclear-Encoded ATPase Deficiency, TMEM70-Related; ENCEPHALOCARDIOMYOPATHY, MITOCHONDRIAL, NEONATAL, DUE TO ATP SYNTHASE DEFICIENCY; MITOCHONDRIAL COMPLEX V (ATP SYNTHASE) DEFICIENCY, TMEM70 TYPE. Identifiers: Orphanet 1194, MedGen C3279699, MONDO:0013546, OMIM 614052.
Inborn genetic diseases. Identifiers: MedGen C0950123, MeSH D030342.

Allele frequency attached by ClinVar (database versions not stated): gnomAD exomes below 0.00001 and 0.00001; ExAC 0.00001; gnomAD 0.00001.

Submissions (2):

Ambry Genetics
Classification: Uncertain significance for Inborn genetic diseases. Last evaluated: 2025-05-17. Review status: criteria provided, single submitter. Criteria: Ambry Variant Classification Scheme 2023. Collection method: clinical testing. Allele origin: germline.

Labcorp Genetics (formerly Invitae), Labcorp
Classification: Uncertain significance for Mitochondrial complex V (ATP synthase) deficiency, nuclear type 2. Last evaluated: 2022-12-02. Review status: criteria provided, single submitter. Criteria: Invitae Variant Classification Sherloc (09022015). Collection method: clinical testing. Allele origin: germline.
Comment: In summary, the available evidence is currently insufficient to determine the role of this variant in disease. Therefore, it has been classified as a Variant of Uncertain Significance. Algorithms developed to predict the effect of missense changes on protein structure and function (SIFT, PolyPhen-2, Align-GVGD) all suggest that this variant is likely to be tolerated. ClinVar contains an entry for this variant (Variation ID: 1370614). This variant has not been reported in the literature in individuals affected with TMEM70-related conditions. This variant is present in population databases (rs762713721, gnomAD 0.006%). This sequence change replaces glutamic acid, which is acidic and polar, with lysine, which is basic and polar, at codon 241 of the TMEM70 protein (p.Glu241Lys).

NM_017866.6(TMEM70):c.721G>A (p.Glu241Lys)

Gene: TMEM70 (transmembrane protein 70; plus strand). Cytogenetic location: 8q21.11.
Variant type: single nucleotide variant.
Coding change: c.721G>A on transcript NM_017866.6 (MANE Select); coding-DNA position 721, G replaced by A.
Protein change: p.Glu241Lys; replaces glutamic acid 241 with lysine.
Molecular consequence: missense variant. On other transcripts: 3 prime UTR variant (1), non-coding transcript variant (1).
Genome position (GRCh38, 1-based): chr8:73,981,559, G>A. VCF-style: chr8-73981559-G-A. GRCh37 (hg19) VCF-style: chr8-74893794-G-A.
Other names: c.*411G>A (NM_001040613.3); c.721G>A (NM_017866.5); short protein forms E241K.
Identifiers: ClinVar variation 1370614 (VCV001370614.9), dbSNP rs762713721, ClinGen allele CA4784102.